The following is an entry in ClinVar:

NM_000051.4(ATM):c.3990dup (p.Gln1331fs)

Gene: ATM (ATM serine/threonine kinase; plus strand). Cytogenetic location: 11q22.3.
Variant type: Duplication.
Coding change: c.3990dup on transcript NM_000051.4 (MANE Select); coding-DNA position 3990, one base duplicated (A; older notation c.3990dupA).
Protein change: p.Gln1331fs; shifts the reading frame from glutamine 1331.
Molecular consequence: frameshift variant.
Genome position (GRCh38, 1-based): chr11:108,284,470, A duplicated; the last of 4 consecutive A bases (chr11:108,284,467-108,284,470); duplicating any one gives the same sequence. VCF-style (leftmost placement, unchanged base first): chr11-108284466-G-GA. GRCh37 (hg19) VCF-style: chr11-108155193-G-GA.
Other names: c.3990dup, p.Gln1331fs (NM_001351834.2); short protein forms Q1331fs.
Identifiers: ClinVar variation 5003060 (VCV005003060.1).
Genomic context (GRCh38, chr11:108,284,466, plus strand): 5'-CACAGCAAAGAGAGACTGCTACCAAGGTCTATGATATGCTTAAAAGTGAAAACTTATTGG[G>GA]AAAACAGGTATGGCTTCAATTTTTATGTACTTTTCATTCCCTGAATGATATGAGATATAA-3'

ClinVar aggregate classification (germline): Likely pathogenic (1 of 4 stars; one submission).

Conditions:
Familial cancer of breast. Also called: Hereditary breast cancer; BREAST CANCER, FAMILIAL; hereditary breast carcinoma. Identifiers: Orphanet 227535, MedGen C0346153, MONDO:0016419, OMIM 114480. Disease mechanism: loss of function.

Submission:

OLLIN Analises Genomicas, OLLIN
Classification: Likely pathogenic for Familial cancer of breast. Last evaluated: 2026-08-06. Review status: criteria provided, single submitter. Criteria: ACMG Guidelines 2015 PMID 25741868. Collection method: clinical testing. Allele origin: germline. Inheritance: Autosomal recessive inheritance.
Comment: This frameshift variant, located in exon 26 (of 63), is absent from gnomAD and ClinVar and has not been identified in the literature. This variant causes a frameshift and introduces a premature stop codon, which is predicted to result in either a truncated protein or degradation of the mRNA via nonsense-mediated decay (NMD). According to the currently available evidence, this variant has been classified as likely pathogenic (PVS1, PM2_P).